The following is an entry in ClinVar:

ClinVar aggregate classification (germline): Pathogenic (1 of 4 stars; one submission).

gnomAD v4.1: 1 of 1,613,880 alleles (0.000062%); highest among the groups gnomAD compares: Non-Finnish European, 0.000085%; no homozygotes.

Submission:

Labcorp Genetics (formerly Invitae), Labcorp
Classification: Pathogenic. Last evaluated: 2024-02-05. Review status: criteria provided, single submitter. Criteria: Invitae Variant Classification Sherloc (09022015). Collection method: clinical testing. Allele origin: germline.
Comment: This sequence change creates a premature translational stop signal (p.Tyr1927*) in the USH2A gene. It is expected to result in an absent or disrupted protein product. Loss-of-function variants in USH2A are known to be pathogenic (PMID: 10729113, 10909849, 20507924, 25649381). This variant is not present in population databases (gnomAD no frequency). This variant has not been reported in the literature in individuals affected with USH2A-related conditions. ClinVar contains an entry for this variant (Variation ID: 938418). For these reasons, this variant has been classified as Pathogenic.

Literature cited by the submitters: PubMed 10729113; PubMed 10909849; PubMed 20507924; PubMed 25649381.

NM_206933.4(USH2A):c.5781C>A (p.Tyr1927Ter)

Genes: USH2A (usherin; minus strand), USH2A-AS2 (USH2A antisense RNA 2; plus strand). Cytogenetic location: 1q41.
Variant type: single nucleotide variant.
Coding change: c.5781C>A on transcript NM_206933.4 (MANE Select); coding-DNA position 5781, C replaced by A.
Protein change: p.Tyr1927Ter; replaces tyrosine 1927 with a stop codon.
Molecular consequence: nonsense.
Genome position (GRCh38, 1-based): chr1:216,072,965, G>T on the plus strand (C>A on the coding strand, the complement: USH2A is on the minus strand). VCF-style: chr1-216072965-G-T. GRCh37 (hg19) VCF-style: chr1-216246307-G-T.
Other names: short protein forms Y1927*.
Identifiers: ClinVar variation 938418 (VCV000938418.7), dbSNP rs760845108, ClinGen allele CA344853920.
Genomic context (GRCh38, chr1:216,072,965, plus strand): 5'-TCCTCGACTCCAATCACTATATACTGAACCTCCTTCATGCGAGGCTATCACTCGATACAG[G>T]TATTCTTAAATGGAAATAAGATGCAGCAAGATTAAAATAATACTCATATAGATTAATGAG-3'